The following is an entry in ClinVar:

NM_001369.3(DNAH5):c.9197_9209del (p.Thr3066fs)

Gene: DNAH5 (dynein axonemal heavy chain 5; minus strand). Cytogenetic location: 5p15.2.
Variant type: Deletion.
Coding change: c.9197_9209del on transcript NM_001369.3 (MANE Select); coding-DNA positions 9197 to 9209, 13 bases deleted (CCAATGAGAACCT).
Protein change: p.Thr3066fs; shifts the reading frame from threonine 3066.
Molecular consequence: frameshift variant.
Genome position (GRCh38, 1-based): chr5:13,776,603-13,776,615, AGGTTCTCATTGG deleted on the plus strand (CCAATGAGAACCT on the coding strand, the reverse complement: DNAH5 is on the minus strand). VCF-style (leftmost placement, unchanged base first): chr5-13776602-CAGGTTCTCATTGG-C. GRCh37 (hg19) VCF-style: chr5-13776711-CAGGTTCTCATTGG-C.
Other names: short protein forms T3066fs.
Identifiers: ClinVar variation 5014740 (VCV005014740.1).

ClinVar aggregate classification (germline): Pathogenic (1 of 4 stars; one submission).

Conditions:
Primary ciliary dyskinesia 3. Identifiers: Orphanet 244, MedGen C1837618, MONDO:0012085, OMIM 608644.

Submission:

Myriad Genetics, Inc.
Classification: Pathogenic for Primary ciliary dyskinesia 3. Last evaluated: 2025-07-17. Review status: criteria provided, single submitter. Criteria: Myriad Autosomal Dominant, Autosomal Recessive and X-Linked Classification Criteria (2023). Collection method: clinical testing. Allele origin: unknown.
Comment: NM_001369.2(DNAH5):c.9197_9209del13(T3066Sfs*6) is expected to be pathogenic in the context of primary ciliary dyskinesia, DNAH5-related. This variant is predicted to lead to an abnormal or absent protein product due to the creation of a premature termination codon in DNAH5, a gene where loss-of-function variants are known to be pathogenic. Please note: this variant was assessed in the context of healthy population screening.